The following is an entry in ClinVar:

NM_005529.7(HSPG2):c.9252C>G (p.Ser3084Arg)

Gene: HSPG2 (heparan sulfate proteoglycan 2; minus strand). Cytogenetic location: 1p36.12.
Variant type: single nucleotide variant.
Coding change: c.9252C>G on transcript NM_005529.7 (MANE Select); coding-DNA position 9252, C replaced by G.
Protein change: p.Ser3084Arg; replaces serine 3084 with arginine.
Molecular consequence: missense variant.
Genome position (GRCh38, 1-based): chr1:21,841,615, G>C on the plus strand (C>G on the coding strand, the complement: HSPG2 is on the minus strand). VCF-style: chr1-21841615-G-C. GRCh37 (hg19) VCF-style: chr1-22168108-G-C.
Other names: c.9255C>G, p.Ser3085Arg (NM_001291860.2); short protein forms S3084R, S3085R.
Identifiers: ClinVar variation 1957011 (VCV001957011.5), dbSNP rs536554875, ClinGen allele CA19107451.

ClinVar aggregate classification (germline): Uncertain significance (1 of 4 stars; one submission).

Allele frequency attached by ClinVar (database versions not stated): gnomAD exomes below 0.00001; gnomAD 0.00002; TOPMed 0.00002.
gnomAD v4.1: 7 of 1,614,188 alleles (0.00043%); highest among the groups gnomAD compares: African/African-American, 0.008%; no homozygotes.

Submission:

Labcorp Genetics (formerly Invitae), Labcorp
Classification: Uncertain significance. Last evaluated: 2022-11-01. Review status: criteria provided, single submitter. Criteria: Invitae Variant Classification Sherloc (09022015). Collection method: clinical testing. Allele origin: germline.
Comment: In summary, the available evidence is currently insufficient to determine the role of this variant in disease. Therefore, it has been classified as a Variant of Uncertain Significance. Algorithms developed to predict the effect of missense changes on protein structure and function (SIFT, PolyPhen-2, Align-GVGD) all suggest that this variant is likely to be tolerated. This variant has not been reported in the literature in individuals affected with HSPG2-related conditions. This variant is not present in population databases (gnomAD no frequency). This sequence change replaces serine, which is neutral and polar, with arginine, which is basic and polar, at codon 3084 of the HSPG2 protein (p.Ser3084Arg).